The following is an entry in ClinVar:

ClinVar aggregate classification (germline): Likely benign (0 of 4 stars; one submission).

Conditions:
TP53I3-related disorder. Also called: TP53I3-related condition.

Submission:

PreventionGenetics, part of Exact Sciences
Classification: Likely benign for TP53I3-related condition. Last evaluated: 2024-04-09. Review status: no assertion criteria provided. Collection method: clinical testing. Allele origin: germline.
Comment: This variant is classified as likely benign based on ACMG/AMP sequence variant interpretation guidelines (Richards et al. 2015 PMID: 25741868, with internal and published modifications).

NM_004881.5(TP53I3):c.*7A>G

Genes: FAM228B (family with sequence similarity 228 member B; plus strand), TP53I3 (tumor protein p53 inducible protein 3; minus strand). Cytogenetic location: 2p23.3.
Variant type: single nucleotide variant.
Coding change: c.*7A>G on transcript NM_004881.5 (MANE Select); 7 bases downstream of the stop codon, A replaced by G.
Molecular consequence: 3 prime UTR variant. On other transcripts: intron variant (1).
Genome position (GRCh38, 1-based): chr2:24,077,572, T>C on the plus strand (A>G on the coding strand, the complement: TP53I3 is on the minus strand). VCF-style: chr2-24077572-T-C. GRCh37 (hg19) VCF-style: chr2-24300442-T-C.
Other names: c.*62A>G (NM_001206802.2); c.*7A>G (NM_147184.4); c.-290+603T>C (NM_001291328.2).
Identifiers: ClinVar variation 3348639 (VCV003348639.1).